The following is an entry in ClinVar:

NM_000540.3(RYR1):c.9833G>A (p.Cys3278Tyr)

Gene: RYR1 (ryanodine receptor 1; plus strand). Cytogenetic location: 19q13.2.
Variant type: single nucleotide variant.
Coding change: c.9833G>A on transcript NM_000540.3 (MANE Select); coding-DNA position 9833, G replaced by A.
Protein change: p.Cys3278Tyr; replaces cysteine 3278 with tyrosine.
Molecular consequence: missense variant.
Genome position (GRCh38, 1-based): chr19:38,517,506, G>A. VCF-style: chr19-38517506-G-A. GRCh37 (hg19) VCF-style: chr19-39008146-G-A.
Other names: c.9833G>A, p.Cys3278Tyr (NM_001042723.2); short protein forms C3278Y.
Identifiers: ClinVar variation 2184316 (VCV002184316.4), dbSNP rs2514433334, ClinGen allele CA405692232.
Genomic context (GRCh38, chr19:38,517,506, plus strand): 5'-AGTCAGGTGCCCGCTACACAGAGATGCCGCATGTCATCGAGATCACGCTGCCCATGCTAT[G>A]CAGCTACCTGCCCCGATGGTGGGAGCGCGGGCCCGAGGCACCCCCTTCCGCCCTGCCCGC-3'
Protein context (NP_000531.2, residues 3268-3288): HVIEITLPML[Cys3278Tyr]SYLPRWWERG

ClinVar aggregate classification (germline): Uncertain significance (1 of 4 stars; one submission).

Conditions:
RYR1-related disorder. Also called: RYR1-related condition; RYR1-related disorders. Identifiers: MedGen CN239331.

Submission:

Labcorp Genetics (formerly Invitae), Labcorp
Classification: Uncertain significance for RYR1-related disorder. Last evaluated: 2023-06-04. Review status: criteria provided, single submitter. Criteria: Invitae Variant Classification Sherloc (09022015). Collection method: clinical testing. Allele origin: germline.
Comment: This variant is not present in population databases (gnomAD no frequency). This sequence change replaces cysteine, which is neutral and slightly polar, with tyrosine, which is neutral and polar, at codon 3278 of the RYR1 protein (p.Cys3278Tyr). Advanced modeling of protein sequence and biophysical properties (such as structural, functional, and spatial information, amino acid conservation, physicochemical variation, residue mobility, and thermodynamic stability) performed at Invitae indicates that this missense variant is expected to disrupt RYR1 protein function. In summary, the available evidence is currently insufficient to determine the role of this variant in disease. Therefore, it has been classified as a Variant of Uncertain Significance. ClinVar contains an entry for this variant (Variation ID: 2184316). This variant has not been reported in the literature in individuals affected with RYR1-related conditions.